The following is an entry in ClinVar:

NM_003108.4(SOX11):c.172G>A (p.Val58Ile)

Gene: SOX11 (SRY-box transcription factor 11; plus strand). Cytogenetic location: 2p25.2.
Variant type: single nucleotide variant.
Coding change: c.172G>A on transcript NM_003108.4 (MANE Select); coding-DNA position 172, G replaced by A.
Protein change: p.Val58Ile; replaces valine 58 with isoleucine.
Molecular consequence: missense variant.
Genome position (GRCh38, 1-based): chr2:5,692,893, G>A. VCF-style: chr2-5692893-G-A. GRCh37 (hg19) VCF-style: chr2-5833025-G-A.
Other names: short protein forms V58I.
Identifiers: ClinVar variation 3774767 (VCV003774767.1).
Genomic context (GRCh38, chr2:5,692,893, plus strand): 5'-GACCCAGACTGGTGCAAGACGGCGTCGGGCCACATCAAGCGGCCGATGAACGCGTTCATG[G>A]TATGGTCCAAGATCGAACGCAGGAAGATCATGGAGCAGTCTCCGGACATGCACAACGCCG-3'
Protein context (NP_003099.1, residues 48-68): HIKRPMNAFM[Val58Ile]WSKIERRKIM

ClinVar aggregate classification (germline): Uncertain significance (1 of 4 stars; one submission).

Submission:

GeneDx
Classification: Uncertain significance. Last evaluated: 2024-09-25. Review status: criteria provided, single submitter. Criteria: GeneDx Variant Classification Process June 2021. Collection method: clinical testing. Allele origin: germline. Affected: yes.
Comment: Not observed at significant frequency in large population cohorts (gnomAD); In silico analysis indicates that this missense variant does not alter protein structure/function; Has not been previously published as pathogenic or benign to our knowledge